The following is an entry in ClinVar:

NM_000143.4(FH):c.625C>T (p.Pro209Ser)

Gene: FH (fumarate hydratase; minus strand). Cytogenetic location: 1q43.
Variant type: single nucleotide variant.
Coding change: c.625C>T on transcript NM_000143.4 (MANE Select); coding-DNA position 625, C replaced by T.
Protein change: p.Pro209Ser; replaces proline 209 with serine.
Molecular consequence: missense variant.
Genome position (GRCh38, 1-based): chr1:241,508,716, G>A on the plus strand (C>T on the coding strand, the complement: FH is on the minus strand). VCF-style: chr1-241508716-G-A. GRCh37 (hg19) VCF-style: chr1-241672016-G-A.
Other names: short protein forms P209S.
Identifiers: ClinVar variation 5021755 (VCV005021755.1).

ClinVar aggregate classification (germline): Uncertain significance (1 of 4 stars; one submission).

Conditions:
Hereditary cancer-predisposing syndrome. Also called: Neoplastic Syndromes, Hereditary; Tumor predisposition; Hereditary neoplastic syndrome; Hereditary Cancer Syndrome. Identifiers: Orphanet 140162, MedGen C0027672, MeSH D009386, MONDO:0015356.

Submission:

Ambry Genetics
Classification: Uncertain significance for Hereditary cancer-predisposing syndrome. Last evaluated: 2026-07-07. Review status: criteria provided, single submitter. Criteria: Ambry Variant Classification Scheme 2023. Collection method: clinical testing. Allele origin: germline.
Comment: The p.P209S variant (also known as c.625C>T), located in coding exon 5 of the FH gene, results from a C to T substitution at nucleotide position 625. The proline at codon 209 is replaced by serine, an amino acid with similar properties. This amino acid position is conserved. In addition, this alteration is predicted to be deleterious by in silico analysis. Based on the available evidence, the clinical significance of this variant remains unclear.